The following is an entry in ClinVar:

ClinVar aggregate classification (germline): Uncertain significance. Review status: criteria provided, multiple submitters, no conflicts (2 of 4 stars). 2 submissions from 2 submitters: Uncertain significance (2). Last evaluated 2025-02-28.

Allele frequency attached by ClinVar (database versions not stated): ExAC 0.00001; gnomAD exomes 0.00001.

Submissions (2):

GeneDx
Classification: Uncertain significance. Last evaluated: 2025-02-28. Review status: criteria provided, single submitter. Criteria: GeneDx Variant Classification Process June 2021. Collection method: clinical testing. Allele origin: germline. Affected: yes.
Comment: Not observed at significant frequency in large population cohorts (gnomAD); In silico analysis indicates that this missense variant does not alter protein structure/function; Has not been previously published as pathogenic or benign to our knowledge

Eurofins Ntd Llc (ga)
Classification: Uncertain significance. Last evaluated: 2016-03-22. Review status: criteria provided, single submitter. Criteria: EGL Classification Definitions 2015. Collection method: clinical testing. Allele origin: germline. Observed: 1 variant allele, 1 heterozygote.

NM_018006.5(TRMU):c.146C>T (p.Thr49Ile)

Gene: TRMU (tRNA mitochondrial 2-thiouridylase; plus strand). Cytogenetic location: 22q13.31.
Variant type: single nucleotide variant.
Coding change: c.146C>T on transcript NM_018006.5 (MANE Select); coding-DNA position 146, C replaced by T.
Protein change: p.Thr49Ile; replaces threonine 49 with isoleucine.
Molecular consequence: missense variant. On other transcripts: 5 prime UTR variant (3), non-coding transcript variant (2).
Genome position (GRCh38, 1-based): chr22:46,337,842, C>T. VCF-style: chr22-46337842-C-T. GRCh37 (hg19) VCF-style: chr22-46733739-C-T.
Other names: c.-90C>T (NM_001282782.2); c.-109C>T (NM_001282783.2, NM_001282784.2); c.146C>T, p.Thr49Ile (NM_001282785.2); c.146C>T (NM_018006.4); short protein forms T49I.
Identifiers: ClinVar variation 286806 (VCV000286806.6), dbSNP rs759057581, ClinGen allele CA10291955.